The following is an entry in ClinVar:

NM_006277.3(ITSN2):c.3661G>A (p.Glu1221Lys)

Gene: ITSN2 (intersectin 2; minus strand). Cytogenetic location: 2p23.3.
Variant type: single nucleotide variant.
Coding change: c.3661G>A on transcript NM_006277.3 (MANE Select); coding-DNA position 3661, G replaced by A.
Protein change: p.Glu1221Lys; replaces glutamic acid 1221 with lysine.
Molecular consequence: missense variant.
Genome position (GRCh38, 1-based): chr2:24,220,983, C>T on the plus strand (G>A on the coding strand, the complement: ITSN2 is on the minus strand). VCF-style: chr2-24220983-C-T. GRCh37 (hg19) VCF-style: chr2-24443852-C-T.
Other names: c.3661G>A, p.Glu1221Lys (NM_147152.3); c.3619G>A, p.Glu1207Lys (NM_001348181.2); c.3541G>A, p.Glu1181Lys (NM_001348182.2); c.3580G>A, p.Glu1194Lys (NM_019595.4); short protein forms E1181K, E1221K, E1207K, E1194K.
Identifiers: ClinVar variation 4761202 (VCV004761202.1).

ClinVar aggregate classification (germline): Uncertain significance (1 of 4 stars; one submission).

gnomAD v4.1: 3 of 1,609,412 alleles (0.00019%); highest among the groups gnomAD compares: Non-Finnish European, 0.00017%; no homozygotes.

Submission:

Labcorp Genetics (formerly Invitae), Labcorp
Classification: Uncertain significance. Last evaluated: 2025-04-03. Review status: criteria provided, single submitter. Criteria: Invitae Variant Classification Sherloc (09022015). Collection method: clinical testing. Allele origin: germline.
Comment: This sequence change replaces glutamic acid, which is acidic and polar, with lysine, which is basic and polar, at codon 1221 of the ITSN2 protein (p.Glu1221Lys). The frequency data for this variant in the population databases is considered unreliable, as metrics indicate poor data quality at this position in the gnomAD database. This variant has not been reported in the literature in individuals affected with ITSN2-related conditions. Experimental studies and prediction algorithms are not available or were not evaluated, and the functional significance of this variant is currently unknown. In summary, the available evidence is currently insufficient to determine the role of this variant in disease. Therefore, it has been classified as a Variant of Uncertain Significance.